The following is an entry in ClinVar:

ClinVar aggregate classification (germline): Uncertain significance (1 of 4 stars; one submission).

Submission:

GeneDx
Classification: Uncertain significance. Last evaluated: 2024-04-12. Review status: criteria provided, single submitter. Criteria: GeneDx Variant Classification Process June 2021. Collection method: clinical testing. Allele origin: germline. Affected: yes.
Comment: Not observed at significant frequency in large population cohorts (gnomAD); In silico analysis indicates that this missense variant does not alter protein structure/function; Has not been previously published as pathogenic or benign to our knowledge

NM_138927.4(SON):c.4312G>T (p.Val1438Phe)

Gene: SON (SON DNA and RNA binding protein; plus strand). Cytogenetic location: 21q22.11.
Variant type: single nucleotide variant.
Coding change: c.4312G>T on transcript NM_138927.4 (MANE Select); coding-DNA position 4312, G replaced by T.
Protein change: p.Val1438Phe; replaces valine 1438 with phenylalanine.
Molecular consequence: missense variant. On other transcripts: non-coding transcript variant (1), intron variant (1).
Genome position (GRCh38, 1-based): chr21:33,553,543, G>T. VCF-style: chr21-33553543-G-T. GRCh37 (hg19) VCF-style: chr21-34925849-G-T.
Other names: c.4312G>T, p.Val1438Phe (NM_001291411.2, NM_032195.3); c.245-3613G>T (NM_001291412.3); short protein forms V1438F.
Identifiers: ClinVar variation 3372238 (VCV003372238.1).
Genomic context (GRCh38, chr21:33,553,543, plus strand): 5'-CCTGTTCTGGAACCAGCGGTGTCAGTCCTTCAACCTTCTATGATTGTTTCAGAACCATCT[G>T]TTTCTGTCCAGGAATCGACTGTGACAGTTTCAGAGCCTGCTGTCACAGTCTCAGAGCAGA-3'
Protein context (NP_620305.3, residues 1428-1448): QPSMIVSEPS[Val1438Phe]SVQESTVTVS